The following is an entry in ClinVar:

NM_005609.4(PYGM):c.1166C>A (p.Pro389Gln)

Gene: PYGM (glycogen phosphorylase, muscle associated; minus strand). Cytogenetic location: 11q13.1.
Variant type: single nucleotide variant.
Coding change: c.1166C>A on transcript NM_005609.4 (MANE Select); coding-DNA position 1166, C replaced by A.
Protein change: p.Pro389Gln; replaces proline 389 with glutamine.
Molecular consequence: missense variant.
Genome position (GRCh38, 1-based): chr11:64,753,952, G>T on the plus strand (C>A on the coding strand, the complement: PYGM is on the minus strand). VCF-style: chr11-64753952-G-T. GRCh37 (hg19) VCF-style: chr11-64521424-G-T.
Other names: c.902C>A, p.Pro301Gln (NM_001164716.1); short protein forms P301Q, P389Q.
Identifiers: ClinVar variation 1420787 (VCV001420787.4), dbSNP rs149649134, ClinGen allele CA381176607.
Genomic context (GRCh38, chr11:64,753,952, plus strand): 5'-TGGTTGATCTCGTAGATGATCTGGAGGTGCCGCGGCAGCAGCGTCTCCAAGAGGTGCACC[G>T]GCCAGCGCTCCAGGGCCTCGGGCAGCACCGTGTGGTTGGTGTAGGCACAGGTCCTCACTG-3'
Protein context (NP_005600.1, residues 379-399): TVLPEALERW[Pro389Gln]VHLLETLLPR

ClinVar aggregate classification (germline): Uncertain significance. Review status: criteria provided, multiple submitters, no conflicts (2 of 4 stars). 2 submissions from 2 submitters: Uncertain significance (2). Last evaluated 2025-06-18.

Conditions:
Glycogen storage disease, type V (GSD5). Also called: MCARDLE DISEASE; McArdle type glycogen storage disease; MUSCLE GLYCOGEN PHOSPHORYLASE DEFICIENCY; MYOPHOSPHORYLASE DEFICIENCY; PYGM DEFICIENCY. Identifiers: Orphanet 368, MedGen C0017924, MONDO:0009293, OMIM 232600.

gnomAD v4.1: 6 of 1,603,266 alleles (0.00037%); highest among the groups gnomAD compares: Middle Eastern, 0.016%; no homozygotes.

Submissions (2):

ARUP Laboratories, Molecular Genetics and Genomics, ARUP Laboratories
Classification: Uncertain significance for Glycogen storage disease, type V. Last evaluated: 2025-06-18. Review status: criteria provided, single submitter. Criteria: ARUP Molecular Germline Variant Investigation Process 2024. Collection method: clinical testing. Allele origin: germline.
Comment: The PYGM c.1166C>A; p.Pro389Gln variant (rs149649134), to our knowledge, is not reported in the medical literature but is reported in ClinVar (Variation ID: 1420787). This variant is absent from the Genome Aggregation Database (v2.1.1), indicating it is not a common polymorphism. Computational analyses predict that this variant is deleterious (REVEL: 0.931). However, given the lack of clinical and functional data, the significance of this variant is uncertain at this time.

Labcorp Genetics (formerly Invitae), Labcorp
Classification: Uncertain significance for Glycogen storage disease, type V. Last evaluated: 2021-08-27. Review status: criteria provided, single submitter. Criteria: Invitae Variant Classification Sherloc (09022015). Collection method: clinical testing. Allele origin: germline.